The following is an entry in ClinVar:

NM_024884.3(L2HGDH):c.1196+34C>T

Gene: L2HGDH (L-2-hydroxyglutarate dehydrogenase; minus strand). Cytogenetic location: 14q21.3.
Variant type: single nucleotide variant.
Coding change: c.1196+34C>T on transcript NM_024884.3 (MANE Select); 34 bases into the intron after coding-DNA position 1196, C replaced by T.
Molecular consequence: intron variant.
Genome position (GRCh38, 1-based): chr14:50,265,324, G>A on the plus strand (C>T on the coding strand, the complement: L2HGDH is on the minus strand). VCF-style: chr14-50265324-G-A. GRCh37 (hg19) VCF-style: chr14-50732042-G-A.
Identifiers: ClinVar variation 158797 (VCV000158797.8), dbSNP rs12432673, ClinGen allele CA172451.

ClinVar aggregate classification (germline): Benign. Review status: criteria provided, multiple submitters, no conflicts (2 of 4 stars). 3 submissions from 3 submitters: Benign (2). 1 of the submissions does not count toward it. Last evaluated 2021-05-12.

Allele frequency attached by ClinVar (database versions not stated): TOPMed 0.36457; gnomAD 0.38073 and 0.37158; 1000 Genomes Project 0.41713; gnomAD exomes 0.44229 and 0.43802; ESP Exome Variant Server 0.35930; ExAC 0.43767; 1000 Genomes Project 30x 0.40974.
gnomAD v4.1: 688,784 of 1,579,714 alleles (44%); highest among the groups gnomAD compares: East Asian, 64%; 154,122 homozygotes.

Submissions (3):

GeneDx
Classification: Benign. Last evaluated: 2021-05-12. Review status: criteria provided, single submitter. Criteria: GeneDx Variant Classification Process June 2021. Collection method: clinical testing. Allele origin: germline. Affected: yes.

Breakthrough Genomics
Classification: Benign. Review status: criteria provided, single submitter. Criteria: ACMG Guidelines, 2015. Collection method: not provided. Allele origin: germline. Inheritance: Autosomal recessive inheritance. Affected: yes.

Genetic Services Laboratory, University of Chicago
Classification: Likely benign. Review status: no assertion criteria provided. Collection method: clinical testing. Allele origin: germline. Inheritance: Autosomal recessive inheritance. Not counted in ClinVar's aggregate classification.
Comment: Likely benign based on allele frequency in 1000 Genomes Project or ESP global frequency and its presence in a patient with a rare or unrelated disease phenotype. NOT Sanger confirmed